The following is an entry in ClinVar:

NM_000302.4(PLOD1):c.327del (p.Arg111fs)

Gene: PLOD1 (procollagen-lysine,2-oxoglutarate 5-dioxygenase 1; plus strand). Cytogenetic location: 1p36.22.
Variant type: Deletion.
Coding change: c.327del on transcript NM_000302.4 (MANE Select); coding-DNA position 327, one base deleted (G; older notation c.327delG).
Protein change: p.Arg111fs; shifts the reading frame from arginine 111.
Molecular consequence: frameshift variant.
Genome position (GRCh38, 1-based): chr1:11,950,381, G deleted; the last of 4 consecutive G bases (chr1:11,950,378-11,950,381); deleting any one gives the same sequence. VCF-style (leftmost placement, unchanged base first): chr1-11950377-CG-C. GRCh37 (hg19) VCF-style: chr1-12010434-CG-C.
Other names: c.468del, p.Arg158fs (NM_001316320.2); short protein forms R158fs, R111fs.
Identifiers: ClinVar variation 284903 (VCV000284903.13), dbSNP rs886042976, ClinGen allele CA10604945.
Genomic context (GRCh38, chr1:11,950,377, plus strand): 5'-ACCCTTGCCCTGCTCCGTCTTCTCGCTGCTCTGGCCACAGCTATGACGTGCTGTTTGCAT[CG>C]GGGCCCCGGGAGCTCCTGAAGAAGTTCCGGCAGGCCAGGAGCCAGGTGGTCTTCTCTGCT-3'

ClinVar aggregate classification (germline): Pathogenic/Likely pathogenic. Review status: criteria provided, multiple submitters, no conflicts (2 of 4 stars). 3 submissions from 3 submitters: Pathogenic (2); Likely pathogenic (1). Last evaluated 2024-12-26.

Conditions:
Ehlers-Danlos syndrome, kyphoscoliotic type 1 (EDSKSCL1). Also called: EHLERS-DANLOS SYNDROME, OCULAR-SCOLIOTIC TYPE; Ehlers-Danlos syndrome, hydroxylysine-deficient; EHLERS-DANLOS SYNDROME, TYPE VIA; PLOD1-Related Kyphoscoliotic Ehlers-Danlos Syndrome. Identifiers: Orphanet 1900, MedGen C0268342, MONDO:0016002, OMIM 225400. Disease mechanism: loss of function.

Submissions (3):

Labcorp Genetics (formerly Invitae), Labcorp
Classification: Pathogenic for Ehlers-Danlos syndrome, kyphoscoliotic type 1. Last evaluated: 2024-12-26. Review status: criteria provided, single submitter. Criteria: Invitae Variant Classification Sherloc (09022015). Collection method: clinical testing. Allele origin: germline.
Comment: This sequence change creates a premature translational stop signal (p.Arg111Glyfs*4) in the PLOD1 gene. It is expected to result in an absent or disrupted protein product. Loss-of-function variants in PLOD1 are known to be pathogenic (PMID: 10874315, 21699693). This variant is not present in population databases (gnomAD no frequency). This variant has not been reported in the literature in individuals affected with PLOD1-related conditions. ClinVar contains an entry for this variant (Variation ID: 284903). For these reasons, this variant has been classified as Pathogenic.

Genetic Services Laboratory, University of Chicago
Classification: Likely pathogenic. Last evaluated: 2023-12-19. Review status: criteria provided, single submitter. Criteria: ACMG Guidelines, 2015. Collection method: clinical testing. Allele origin: germline. Affected: yes.
Comment: DNA sequence analysis of the PLOD1 gene demonstrated a single base pair deletion in exon 4, c.327del. This sequence change results in an amino acid frameshift and creates a premature stop codon 4 amino acids downstream of the change p.Arg111Glyfs*4. While this deletion has not previously been described in the literature, other truncating variants in the PLOD1 gene have been described in individuals with PLOD1-related disorders. This sequence change has been described in the gnomAD database with a frequency of 0.0008% in the overall population (dbSNP rs1315958277). This sequence change is the likely cause of this individual's phenotype, however functional studies have not been performed to prove this conclusively

Eurofins Ntd Llc (ga)
Classification: Pathogenic. Last evaluated: 2015-12-07. Review status: criteria provided, single submitter. Criteria: EGL Classification Definitions 2015. Collection method: clinical testing. Allele origin: germline. Observed: 3 variant alleles, 1 heterozygote.

Literature cited by the submitters: PubMed 10874315 (cited by Labcorp Genetics (formerly Invitae), Labcorp); PubMed 21699693 (cited by Labcorp Genetics (formerly Invitae), Labcorp).